The following is an entry in ClinVar:

NM_030928.4(CDT1):c.228+4_228+5dup

Gene: CDT1 (chromatin licensing and DNA replication factor 1; plus strand). Cytogenetic location: 16q24.3.
Variant type: Duplication.
Coding change: c.228+4_228+5dup on transcript NM_030928.4 (MANE Select); bases 4 to 5 of the intron after coding-DNA position 228, 2 bases duplicated (AG; older notation c.228+4_228+5dupAG).
Molecular consequence: intron variant.
Genome position (GRCh38, 1-based): chr16:88,804,063-88,804,064, AG duplicated; duplicating any 2 consecutive bases within chr16:88,804,062-88,804,064 gives the same sequence; the c. name uses the placement nearest the transcript's 3' end. VCF-style (leftmost placement, unchanged base first): chr16-88804061-T-TGA. GRCh37 (hg19) VCF-style: chr16-88870469-T-TGA.
Identifiers: ClinVar variation 1484497 (VCV001484497.6), dbSNP rs757565391, ClinGen allele CA8233509.

ClinVar aggregate classification (germline): Conflicting classifications of pathogenicity. Review status: criteria provided, conflicting classifications (1 of 4 stars). 2 submissions from 2 submitters: Uncertain significance (1); Likely benign (1). Last evaluated 2023-12-11.

Submissions (2):

Labcorp Genetics (formerly Invitae), Labcorp
Classification: Uncertain significance. Last evaluated: 2023-12-11. Review status: criteria provided, single submitter. Criteria: Invitae Variant Classification Sherloc (09022015). Collection method: clinical testing. Allele origin: germline.
Comment: This sequence change falls in intron 1 of the CDT1 gene. It does not directly change the encoded amino acid sequence of the CDT1 protein. It affects a nucleotide within the consensus splice site. This variant is present in population databases (rs757565391, gnomAD 0.09%). This variant has not been reported in the literature in individuals affected with CDT1-related conditions. ClinVar contains an entry for this variant (Variation ID: 1484497). Variants that disrupt the consensus splice site are a relatively common cause of aberrant splicing (PMID: 17576681, 9536098). Algorithms developed to predict the effect of sequence changes on RNA splicing suggest that this variant is not likely to affect RNA splicing. In summary, the available evidence is currently insufficient to determine the role of this variant in disease. Therefore, it has been classified as a Variant of Uncertain Significance.

Blueprint Genetics
Classification: Likely benign. Last evaluated: 2022-10-19. Review status: criteria provided, single submitter. Criteria: ACMG Guidelines, 2015. Collection method: clinical testing. Allele origin: germline.

Literature cited by the submitters: PubMed 17576681 (cited by Labcorp Genetics (formerly Invitae), Labcorp); PubMed 9536098 (cited by Labcorp Genetics (formerly Invitae), Labcorp).